The following is an entry in ClinVar:

NM_004239.4(TRIP11):c.290G>A (p.Arg97Gln)

Gene: TRIP11 (thyroid hormone receptor interactor 11; minus strand). Cytogenetic location: 14q32.12.
Variant type: single nucleotide variant.
Coding change: c.290G>A on transcript NM_004239.4 (MANE Select); coding-DNA position 290, G replaced by A.
Protein change: p.Arg97Gln; replaces arginine 97 with glutamine.
Molecular consequence: missense variant.
Genome position (GRCh38, 1-based): chr14:92,025,332, C>T on the plus strand (G>A on the coding strand, the complement: TRIP11 is on the minus strand). VCF-style: chr14-92025332-C-T. GRCh37 (hg19) VCF-style: chr14-92491676-C-T.
Other names: c.287G>A, p.Arg96Gln (NM_001321851.1); short protein forms R96Q, R97Q.
Identifiers: ClinVar variation 4733663 (VCV004733663.1).

ClinVar aggregate classification (germline): Uncertain significance (1 of 4 stars; one submission).

Conditions:
Achondrogenesis, type IA (ACG1A). Identifiers: Orphanet 932, Orphanet 93299, MedGen C0265273, MONDO:0008701, OMIM 200600.

gnomAD v4.1: 33 of 1,613,214 alleles (0.002%); highest among the groups gnomAD compares: Middle Eastern, 0.049%; no homozygotes.

Submission:

Labcorp Genetics (formerly Invitae), Labcorp
Classification: Uncertain significance for Achondrogenesis, type IA. Last evaluated: 2025-04-02. Review status: criteria provided, single submitter. Criteria: Invitae Variant Classification Sherloc (09022015). Collection method: clinical testing. Allele origin: germline.
Comment: This sequence change replaces arginine, which is basic and polar, with glutamine, which is neutral and polar, at codon 97 of the TRIP11 protein (p.Arg97Gln). This variant is present in population databases (rs148084609, gnomAD 0.002%). This variant has not been reported in the literature in individuals affected with TRIP11-related conditions. Invitae Evidence Modeling of protein sequence and biophysical properties (such as structural, functional, and spatial information, amino acid conservation, physicochemical variation, residue mobility, and thermodynamic stability) indicates that this missense variant is not expected to disrupt TRIP11 protein function with a negative predictive value of 80%. In summary, the available evidence is currently insufficient to determine the role of this variant in disease. Therefore, it has been classified as a Variant of Uncertain Significance.